The following is an entry in ClinVar:

ClinVar aggregate classification (germline): Pathogenic (1 of 4 stars; one submission).

Conditions:
Familial adenomatous polyposis 4 (FAP4). Also called: MSH3-related attenuated familial adenomatous polyposis. Identifiers: Orphanet 480536, MedGen C4310719, MONDO:0044300, OMIM 617100.

Submission:

Myriad Genetics, Inc.
Classification: Pathogenic for Familial adenomatous polyposis 4. Last evaluated: 2025-05-13. Review status: criteria provided, single submitter. Criteria: Myriad Autosomal Dominant, Autosomal Recessive and X-Linked Classification Criteria (2023). Collection method: clinical testing. Allele origin: unknown.
Comment: This variant is considered pathogenic. This variant creates a frameshift predicted to result in premature protein truncation.

NM_002439.5(MSH3):c.1967del (p.Ile656fs)

Gene: MSH3 (mutS homolog 3; plus strand). Cytogenetic location: 5q14.1.
Variant type: Deletion.
Coding change: c.1967del on transcript NM_002439.5 (MANE Select); coding-DNA position 1967, one base deleted (T; older notation c.1967delT).
Protein change: p.Ile656fs; shifts the reading frame from isoleucine 656.
Molecular consequence: frameshift variant.
Genome position (GRCh38, 1-based): chr5:80,768,003, T deleted. VCF-style (leftmost placement, unchanged base first): chr5-80768002-AT-A. GRCh37 (hg19) VCF-style: chr5-80063821-AT-A.
Other names: short protein forms I656fs.
Identifiers: ClinVar variation 4071394 (VCV004071394.1).